The following is an entry in ClinVar:

NM_016222.4(DDX41):c.482A>G (p.Glu161Gly)

Gene: DDX41 (DEAD-box helicase 41; minus strand). Cytogenetic location: 5q35.3.
Variant type: single nucleotide variant.
Coding change: c.482A>G on transcript NM_016222.4 (MANE Select); coding-DNA position 482, A replaced by G.
Protein change: p.Glu161Gly; replaces glutamic acid 161 with glycine.
Molecular consequence: missense variant.
Genome position (GRCh38, 1-based): chr5:177,515,774, T>C on the plus strand (A>G on the coding strand, the complement: DDX41 is on the minus strand). VCF-style: chr5-177515774-T-C. GRCh37 (hg19) VCF-style: chr5-176942775-T-C.
Other names: c.104A>G, p.Glu35Gly (NM_001321732.2, NM_001321830.2); short protein forms E35G, E161G.
Identifiers: ClinVar variation 4617190 (VCV004617190.1).

ClinVar aggregate classification (germline): Uncertain significance (1 of 4 stars; one submission).

Conditions:
Inborn genetic diseases. Identifiers: MedGen C0950123, MeSH D030342.

Submission:

Ambry Genetics
Classification: Uncertain significance for Inborn genetic diseases. Last evaluated: 2025-11-12. Review status: criteria provided, single submitter. Criteria: Ambry Variant Classification Scheme 2023. Collection method: clinical testing. Allele origin: germline.
Comment: The p.E161G variant (also known as c.482A>G), located in coding exon 6 of the DDX41 gene, results from an A to G substitution at nucleotide position 482. The glutamic acid at codon 161 is replaced by glycine, an amino acid with similar properties. This amino acid position is conserved. In addition, this alteration is predicted to be tolerated by in silico analysis. Based on the available evidence, the clinical significance of this variant remains unclear.